The following is an entry in ClinVar:

ClinVar aggregate classification (germline): Conflicting classifications of pathogenicity. Review status: criteria provided, conflicting classifications (1 of 4 stars). 2 submissions from 2 submitters: Uncertain significance (1); Likely benign (1). Last evaluated 2023-03-02.

Conditions:
Inborn genetic diseases. Identifiers: MedGen C0950123, MeSH D030342.

Allele frequency attached by ClinVar (database versions not stated): gnomAD exomes 0.00001; gnomAD 0.00005; TOPMed 0.00005; ExAC 0.00007.
gnomAD v4.1: 26 of 1,613,218 alleles (0.0016%); highest among the groups gnomAD compares: African/African-American, 0.0067%; no homozygotes.

Submissions (2):

Ambry Genetics
Classification: Likely benign for Inborn genetic diseases. Last evaluated: 2023-03-02. Review status: criteria provided, single submitter. Criteria: Ambry Variant Classification Scheme 2023. Collection method: clinical testing. Allele origin: germline.

Labcorp Genetics (formerly Invitae), Labcorp
Classification: Uncertain significance. Last evaluated: 2022-03-31. Review status: criteria provided, single submitter. Criteria: Invitae Variant Classification Sherloc (09022015). Collection method: clinical testing. Allele origin: germline.
Comment: Algorithms developed to predict the effect of missense changes on protein structure and function output the following: SIFT: "Tolerated"; PolyPhen-2: "Not Available"; Align-GVGD: "Class C0". The glutamine amino acid residue is found in multiple mammalian species, which suggests that this missense change does not adversely affect protein function. In summary, the available evidence is currently insufficient to determine the role of this variant in disease. Therefore, it has been classified as a Variant of Uncertain Significance. This variant has not been reported in the literature in individuals affected with PCLO-related conditions. This variant is present in population databases (rs760827935, gnomAD 0.02%). This sequence change replaces arginine, which is basic and polar, with glutamine, which is neutral and polar, at codon 2249 of the PCLO protein (p.Arg2249Gln).

NM_033026.6(PCLO):c.6746G>A (p.Arg2249Gln)

Gene: PCLO (piccolo presynaptic cytomatrix protein; minus strand). Cytogenetic location: 7q21.11.
Variant type: single nucleotide variant.
Coding change: c.6746G>A on transcript NM_033026.6 (MANE Select); coding-DNA position 6746, G replaced by A.
Protein change: p.Arg2249Gln; replaces arginine 2249 with glutamine.
Molecular consequence: missense variant.
Genome position (GRCh38, 1-based): chr7:82,954,207, C>T on the plus strand (G>A on the coding strand, the complement: PCLO is on the minus strand). VCF-style: chr7-82954207-C-T. GRCh37 (hg19) VCF-style: chr7-82583523-C-T.
Other names: c.6746G>A, p.Arg2249Gln (NM_014510.3); c.6746G>A (NM_033026.5); short protein forms R2249Q.
Identifiers: ClinVar variation 2419538 (VCV002419538.6), dbSNP rs760827935, ClinGen allele CA4320417.